The following is an entry in ClinVar:

NM_012309.5(SHANK2):c.2435_2436del (p.Met812fs)

Gene: SHANK2 (SH3 and multiple ankyrin repeat domains 2; minus strand). Cytogenetic location: 11q13.3.
Variant type: Deletion.
Coding change: c.2435_2436del on transcript NM_012309.5 (MANE Select); coding-DNA positions 2435 to 2436, 2 bases deleted (TG; older notation c.2435_2436delTG).
Protein change: p.Met812fs; shifts the reading frame from methionine 812.
Molecular consequence: frameshift variant. On other transcripts: non-coding transcript variant (1).
Genome position (GRCh38, 1-based): chr11:70,492,338-70,492,339, CA deleted on the plus strand (TG on the coding strand, the reverse complement: SHANK2 is on the minus strand). VCF-style (leftmost placement, unchanged base first): chr11-70492337-TCA-T. GRCh37 (hg19) VCF-style: chr11-70338442-TCA-T.
Other names: c.1298_1299del, p.Met433fs (NM_001379226.1); c.671_672del, p.Met224fs (NM_133266.5); short protein forms M224fs, M433fs, M812fs.
Identifiers: ClinVar variation 3381861 (VCV003381861.2).

ClinVar aggregate classification (germline): Likely pathogenic (1 of 4 stars; one submission).

Conditions:
Autism, susceptibility to, 17. Also called: Autism susceptibility 17. Identifiers: MedGen C3150693, MONDO:0013265, OMIM 613436.

Submission:

Juno Genomics, Hangzhou Juno Genomics, Inc
Classification: Likely pathogenic for Autism, susceptibility to, 17. Review status: criteria provided, single submitter. Criteria: ACMG Guidelines, 2015. Collection method: clinical testing. Allele origin: germline. Affected: yes.
Comment: Absent from controls (or at extremely low frequency if recessive) in Genome Aggregation Database, Exome Sequencing Project, 1000 Genomes Project, or Exome Aggregation Consortium.;Null variant in a gene where loss of function (LOF) is a known mechanism of disease.